The following is an entry in ClinVar:

ClinVar aggregate classification (germline): Likely pathogenic. Review status: criteria provided, multiple submitters, no conflicts (2 of 4 stars). 2 submissions from 2 submitters: Likely pathogenic (2). Last evaluated 2024-07-16.

Conditions:
Developmental and epileptic encephalopathy, 2 (DEE2). Also called: INFANTILE SPASM SYNDROME, X-LINKED 2; CDKL5 deficiency disorder. Identifiers: Orphanet 1934, Orphanet 3451, Orphanet 505652, MedGen C4750718, MONDO:0010396, OMIM 300672.
CDKL5 disorder. Identifiers: MedGen CN296942, MONDO:0100039.

Submissions (2):

Centre for Population Genomics, CPG
Classification: Likely pathogenic for CDKL5 disorder. Last evaluated: 2024-07-16. Review status: criteria provided, single submitter. Criteria: McKnight et al. (Hum Mutat. 2022). Collection method: curation. Allele origin: germline. Inheritance: X-linked inheritance.
Comment: This variant has been collected from RettBASE and curated to current modified ACMG/AMP criteria. Based on the classification scheme defined by the ClinGen Rett/Angelman-like Expert Panel for Rett/AS-like Disorders Specifications to the ACMG/AMP Variant Interpretation Guidelines VCEP 3.0, this variant is classified as likely pathogenic. At least the following criteria are met: Another missense variant in the same codon has been classified as pathogenic (PM5, ClinVar Variation ID: 143818). This variant has been identified as a de novo occurrence in an individual with CDKL5 disorder without confirmation of paternity and maternity (PM6, PMID: 23934111). Computational prediction analysis tools suggests a deleterious impact (REVEL score>= 0.75) (PP3). This variant is absent from gnomAD (PM2_Supporting).

Lifecell International Pvt. Ltd
Classification: Likely pathogenic for Developmental and epileptic encephalopathy, 2. Review status: criteria provided, single submitter. Criteria: ACMG Guidelines, 2015. Collection method: clinical testing. Allele origin: germline. Inheritance: X-linked dominant inheritance. Affected: yes. Observed: 1 heterozygote.
Comment: A Heterozygous Missense variant c.379C>T in Exon 6 of the CDKL5 gene that results in the amino acid substitution p.His127Tyr was identified. The observed variant is novel in gnomAD exomes and genomes. The severity of the impact of this variant on the protein is high, based on the effect of the protein and REVEL score. Rare Exome Variant Ensemble Learner (REVEL) is an ensembl method for predicting the pathogenicity of missense variants based on a combination of scores from 13 individual tools: MutPred, FATHMM v2.3, VEST 3.0, PolyPhen-2, SIFT, PROVEAN, MutationAssessor, MutationTaster, LRT, GERP++, SiPhy, phyloP, and phastCons. The REVEL score for an individual missense variant can range from 0 to 1, with higher scores reflecting greater likelihood that the variant is disease-causing. The observed variant has been previously reported in patients affected with CDKL5 deficiency disorder (Devinsky, Orrin et al., 2021). For these reasons, this variant has been classified as Likely Pathogenic.

Literature cited by the submitters: PubMed 33538404 (cited by Lifecell International Pvt. Ltd).

NM_001323289.2(CDKL5):c.379C>T (p.His127Tyr)

Gene: CDKL5 (cyclin dependent kinase like 5; plus strand). Cytogenetic location: Xp22.13.
Variant type: single nucleotide variant.
Coding change: c.379C>T on transcript NM_001323289.2 (MANE Select); coding-DNA position 379, C replaced by T.
Protein change: p.His127Tyr; replaces histidine 127 with tyrosine.
Molecular consequence: missense variant.
Genome position (GRCh38, 1-based): chrX:18,579,944, C>T. VCF-style: chrX-18579944-C-T. GRCh37 (hg19) VCF-style: chrX-18598064-C-T.
Other names: NM_001323289.2(CDKL5):c.379C>T; p.His127Tyr; c.379C>T, p.His127Tyr (NM_001037343.2, NM_003159.3); short protein forms H127Y.
Identifiers: ClinVar variation 2445597 (VCV002445597.3), dbSNP rs1925423909, ClinGen allele CA412350305.